The following is an entry in ClinVar:

ClinVar aggregate classification (germline): Uncertain significance (1 of 4 stars; one submission).

Conditions:
Marfan syndrome (MFS). Also called: FBN1-Related Marfan Syndrome; MARFAN SYNDROME, TYPE I; Marfan syndrome type 1; Marfan's syndrome; Marfan syndrome, classic. Identifiers: Orphanet 284963, Orphanet 558, MedGen C0024796, MONDO:0007947, OMIM 154700.
Familial thoracic aortic aneurysm and aortic dissection (TAAD). Also called: Thoracic aortic aneurysms and dissections. Identifiers: Orphanet 91387, MedGen C4707243, MONDO:0019625.

gnomAD v4.1: 1 of 1,613,246 alleles (0.000062%); highest among the groups gnomAD compares: African/African-American, 0.0013%; no homozygotes.

Submission:

Labcorp Genetics (formerly Invitae), Labcorp
Classification: Uncertain significance for Marfan syndrome; Familial thoracic aortic aneurysm and aortic dissection. Last evaluated: 2025-03-18. Review status: criteria provided, single submitter. Criteria: Invitae Variant Classification Sherloc (09022015). Collection method: clinical testing. Allele origin: germline.
Comment: This sequence change replaces asparagine, which is neutral and polar, with serine, which is neutral and polar, at codon 1917 of the FBN1 protein (p.Asn1917Ser). This variant is not present in population databases (gnomAD no frequency). This variant has not been reported in the literature in individuals affected with FBN1-related conditions. Invitae Evidence Modeling of protein sequence and biophysical properties (such as structural, functional, and spatial information, amino acid conservation, physicochemical variation, residue mobility, and thermodynamic stability) indicates that this missense variant is not expected to disrupt FBN1 protein function with a negative predictive value of 95%. In summary, the available evidence is currently insufficient to determine the role of this variant in disease. Therefore, it has been classified as a Variant of Uncertain Significance.

NM_000138.5(FBN1):c.5750A>G (p.Asn1917Ser)

Gene: FBN1 (fibrillin 1; minus strand). Cytogenetic location: 15q21.1.
Variant type: single nucleotide variant.
Coding change: c.5750A>G on transcript NM_000138.5 (MANE Select); coding-DNA position 5750, A replaced by G.
Protein change: p.Asn1917Ser; replaces asparagine 1917 with serine.
Molecular consequence: missense variant.
Genome position (GRCh38, 1-based): chr15:48,446,744, T>C on the plus strand (A>G on the coding strand, the complement: FBN1 is on the minus strand). VCF-style: chr15-48446744-T-C. GRCh37 (hg19) VCF-style: chr15-48738941-T-C.
Other names: c.5750A>G, p.Asn1917Ser (NM_001406716.1); short protein forms N1917S.
Identifiers: ClinVar variation 4787763 (VCV004787763.1).
Genomic context (GRCh38, chr15:48,446,744, plus strand): 5'-ATGCACAATTTTGCACACGCACCTATACAGTCATTGTTGTGAGAAAGGATGAAACCATGA[T>C]TGCAGCGGCAGTTGAAGGAACCAATTGTGTTCCGGCAAGTTCCATTCCCACAGGCATCTC-3'
Protein context (NP_000129.3, residues 1907-1927): NTIGSFNCRC[Asn1917Ser]HGFILSHNND